The following is an entry in ClinVar:

ClinVar aggregate classification (germline): Pathogenic. Review status: criteria provided, multiple submitters, no conflicts (2 of 4 stars). 8 submissions from 8 submitters: Pathogenic (8). Last evaluated 2024-11-15.

Conditions:
Hereditary cancer-predisposing syndrome. Also called: Tumor predisposition; Hereditary Cancer Syndrome; Hereditary neoplastic syndrome; Neoplastic Syndromes, Hereditary. Identifiers: Orphanet 140162, MedGen C0027672, MeSH D009386, MONDO:0015356.
Familial cancer of breast. Also called: BREAST CANCER, FAMILIAL; Hereditary breast cancer; hereditary breast carcinoma. Identifiers: Orphanet 227535, MedGen C0346153, MONDO:0016419, OMIM 114480. Disease mechanism: loss of function.

Submissions (8):

Labcorp Genetics (formerly Invitae), Labcorp
Classification: Pathogenic for Familial cancer of breast. Last evaluated: 2024-11-15. Review status: criteria provided, single submitter. Criteria: Invitae Variant Classification Sherloc (09022015). Collection method: clinical testing. Allele origin: germline.
Comment: This sequence change creates a premature translational stop signal (p.Leu380Hisfs*14) in the CHEK2 gene. It is expected to result in an absent or disrupted protein product. Loss-of-function variants in CHEK2 are known to be pathogenic (PMID: 21876083, 24713400). This variant is present in population databases (no rsID available, gnomAD 0.0009%). This premature translational stop signal has been observed in individual(s) with breast and/or ovarian cancer (PMID: 19768534, 21244692, 24549055). This variant is also known as c.1138delCT and c.1140_1141delTC (p.L380fsX393). For these reasons, this variant has been classified as Pathogenic.

Ambry Genetics
Classification: Pathogenic for Hereditary cancer-predisposing syndrome. Last evaluated: 2024-05-07. Review status: criteria provided, single submitter. Criteria: Ambry Variant Classification Scheme 2023. Collection method: clinical testing. Allele origin: germline.
Comment: The c.1139_1140delTC pathogenic mutation, located in coding exon 10 of the CHEK2 gene, results from a deletion of two nucleotides at nucleotide positions 1139 to 1140, causing a translational frameshift with a predicted alternate stop codon (p.L380Hfs*14). This alteration has also been identified in a cohort of high-risk breast/ovarian cancer patients (Cast&eacute;ra L et al. Eur J Hum Genet, 2014 Nov;22:1305-13) and in at least one subject in a study of 13087 breast cancer cases and 5488 control individuals in the UK (Decker B et al. J Med Genet, 2017 11;54:732-741). Of note, this alteration is also known as c.1140_1141delTC in published literature. In addition to the clinical data presented in the literature, this alteration is expected to result in loss of function by premature protein truncation or nonsense-mediated mRNA decay. As such, this alteration is interpreted as a disease-causing mutation.

GeneDx
Classification: Pathogenic. Last evaluated: 2024-01-25. Review status: criteria provided, single submitter. Criteria: GeneDx Variant Classification Process June 2021. Collection method: clinical testing. Allele origin: germline. Affected: yes.
Comment: Frameshift variant predicted to result in protein truncation or nonsense mediated decay in a gene for which loss of function is a known mechanism of disease; Not observed at significant frequency in large population cohorts (gnomAD); Also known as c.1268_1269del; p.(L423Hfs*14); This variant is associated with the following publications: (PMID: 21244692, 24549055, 19768534, 29922827, 35220195, 32805687, 28779002)

KCCC/NGS Laboratory, Kuwait Cancer Control Center
Classification: Pathogenic for Familial cancer of breast. Last evaluated: 2023-07-11. Review status: criteria provided, single submitter. Criteria: ACMG Guidelines, 2015. Collection method: clinical testing. Allele origin: unknown. Inheritance: Autosomal dominant inheritance. Affected: yes. Observed: 1 heterozygote.
Comment: This sequence change creates a premature translational stop signal (p.Leu380Hisfs*14) in the CHEK2 gene. It is expected to result in an absent or disrupted protein product. Loss-of-function variants in CHEK2 are known to be pathogenic (PMID: 21876083, 24713400). This variant is present in population databases ( gnomAD 0.0009%). This premature translational stop signal has been observed in individual(s) with breast and/or ovarian cancer (PMID: 19768534, 21244692, 24549055). This variant is also known as c.1138delCT and c.1140_1141delTC (p.L380fsX393). ClinVar contains an entry for this variant (Variation ID: 409999). Therefore, this variant has been classified as Pathogenic.

Myriad Genetics, Inc.
Classification: Pathogenic for Familial cancer of breast. Last evaluated: 2023-06-28. Review status: criteria provided, single submitter. Criteria: Myriad Autosomal Dominant, Autosomal Recessive and X-Linked Classification Criteria (2023). Collection method: clinical testing. Allele origin: unknown.
Comment: This variant is considered pathogenic. This variant creates a frameshift predicted to result in premature protein truncation.

Color Diagnostics, LLC DBA Color Health
Classification: Pathogenic for Hereditary cancer-predisposing syndrome. Last evaluated: 2023-03-20. Review status: criteria provided, single submitter. Criteria: ACMG Guidelines, 2015. Collection method: clinical testing. Allele origin: germline.
Comment: This variant deletes 2 nucleotides in exon 11 of the CHEK2 gene, creating a frameshift and premature translation stop signal. This variant is expected to result in an absent or non-functional protein product. This variant has been reported in individuals affected with breast and/or ovarian cancer (PMID: 19768534, 21244692, 24549055). This variant has been identified in 1/250916 chromosomes in the general population by the Genome Aggregation Database (gnomAD). Loss of CHEK2 function is a known mechanism of disease. Based on the available evidence, this variant is classified as Pathogenic.

Baylor Genetics
Classification: Pathogenic for Familial cancer of breast. Last evaluated: 2023-01-19. Review status: criteria provided, single submitter. Criteria: ACMG Guidelines, 2015. Collection method: clinical testing. Allele origin: unknown.

Quest Diagnostics Nichols Institute San Juan Capistrano
Classification: Pathogenic. Last evaluated: 2016-08-12. Review status: criteria provided, single submitter. Criteria: Quest Diagnostics criteria. Collection method: clinical testing. Allele origin: germline.

Literature cited by the submitters: PubMed 21876083 (cited by Labcorp Genetics (formerly Invitae), Labcorp); PubMed 24713400 (cited by Labcorp Genetics (formerly Invitae), Labcorp); PubMed 19768534 (cited by 4 submitters); PubMed 21244692 (cited by 4 submitters); PubMed 24549055 (cited by 4 submitters); PubMed 28779002 (cited by Ambry Genetics).

NM_007194.4(CHEK2):c.1139_1140del (p.Leu380fs)

Gene: CHEK2 (checkpoint kinase 2; minus strand). Cytogenetic location: 22q12.1.
Variant type: Microsatellite.
Coding change: c.1139_1140del on transcript NM_007194.4 (MANE Select); coding-DNA positions 1139 to 1140, 2 bases deleted (TC; older notation c.1139_1140delTC).
Protein change: p.Leu380fs; shifts the reading frame from leucine 380.
Molecular consequence: frameshift variant.
Genome position (GRCh38, 1-based): chr22:28,695,829-28,695,830, GA deleted on the plus strand (TC on the coding strand, the reverse complement: CHEK2 is on the minus strand); deleting any 2 consecutive bases within chr22:28,695,829-28,695,835 gives the same sequence; the c. name uses the placement nearest the transcript's 3' end. VCF-style (leftmost placement, unchanged base first): chr22-28695828-TGA-T. GRCh37 (hg19) VCF-style: chr22-29091816-TGA-T.
Other names: c.1139_1140delTC (NM_007194.3); c.1263_1264CT[2], p.Leu423Hisfs (NM_001005735.3); c.471_472CT[2], p.Leu159Hisfs (NM_001257387.3); c.933_934CT[2], p.Leu313Hisfs (NM_001349956.3); c.1047_1048CT[2], p.Leu351Hisfs (NM_145862.3); short protein forms L313fs, L380fs, L351fs, L423fs, L159fs.
Identifiers: ClinVar variation 409999 (VCV000409999.26), dbSNP rs1060502684, ClinGen allele CA16616322.